The following is an entry in ClinVar:

ClinVar aggregate classification (germline): Pathogenic (1 of 4 stars; one submission).

Conditions:
Cone-rod dystrophy 13 (CORD13). Identifiers: Orphanet 1872, MedGen C2750720, MONDO:0011987, OMIM 608194.
Leber congenital amaurosis 6 (LCA6). Identifiers: Orphanet 65, MedGen C1854260, MONDO:0013446, OMIM 613826.

Submission:

Labcorp Genetics (formerly Invitae), Labcorp
Classification: Pathogenic for Leber congenital amaurosis 6; Cone-rod dystrophy 13. Last evaluated: 2019-12-23. Review status: criteria provided, single submitter. Criteria: Invitae Variant Classification Sherloc (09022015). Collection method: clinical testing. Allele origin: germline.
Comment: This variant is an out-of-frame deletion of the genomic region encompassing exon(s) 10-11 of the RPGRIP1 gene. This is expected to create a premature translational stop signal and result in an absent or disrupted protein product. This variant has not been reported in the literature in individuals with RPGRIP1-related conditions. Loss-of-function variants in RPGRIP1 are known to be pathogenic (PMID: 11528500, 23105016). For these reasons, this variant has been classified as Pathogenic.

NC_000014.9:g.(?_21317696)_(21320177_?)del

Gene: RPGRIP1 (RPGR interacting protein 1; plus strand). Cytogenetic location: 14q11.2.
Variant type: Deletion.
Identifiers: ClinVar variation 832960 (VCV000832960.1).